The following is an entry in ClinVar:

ClinVar aggregate classification (germline): Uncertain significance. Review status: criteria provided, multiple submitters, no conflicts (2 of 4 stars). 2 submissions from 2 submitters: Uncertain significance (2). Last evaluated 2024-12-19.

Conditions:
Epidermolysis bullosa, junctional 7, with interstitial lung disease and nephrotic syndrome. Also called: Interstitial Lung Disease with Nephrotic Syndrome and Epidermolysis Bullosa; Interstitial lung disease, nephrotic syndrome, and epidermolysis bullosa, congenital. Identifiers: Orphanet 306504, MedGen C4518785, MONDO:0013881, OMIM 614748.

gnomAD v4.1: 14 of 1,581,312 alleles (0.00089%); highest among the groups gnomAD compares: Admixed American, 0.024%; no homozygotes.

Submissions (2):

Labcorp Genetics (formerly Invitae), Labcorp
Classification: Uncertain significance. Last evaluated: 2024-12-19. Review status: criteria provided, single submitter. Criteria: Invitae Variant Classification Sherloc (09022015). Collection method: clinical testing. Allele origin: germline.
Comment: This sequence change replaces alanine, which is neutral and non-polar, with valine, which is neutral and non-polar, at codon 1026 of the ITGA3 protein (p.Ala1026Val). This variant is present in population databases (rs749746779, gnomAD 0.04%). This variant has not been reported in the literature in individuals affected with ITGA3-related conditions. Invitae Evidence Modeling of protein sequence and biophysical properties (such as structural, functional, and spatial information, amino acid conservation, physicochemical variation, residue mobility, and thermodynamic stability) indicates that this missense variant is not expected to disrupt ITGA3 protein function with a negative predictive value of 80%. In summary, the available evidence is currently insufficient to determine the role of this variant in disease. Therefore, it has been classified as a Variant of Uncertain Significance.

Fulgent Genetics
Classification: Uncertain significance for Epidermolysis bullosa, junctional 7, with interstitial lung disease and nephrotic syndrome. Last evaluated: 2023-12-21. Review status: criteria provided, single submitter. Criteria: ACMG Guidelines, 2015. Collection method: clinical testing. Allele origin: germline.

NM_002204.4(ITGA3):c.3077C>T (p.Ala1026Val)

Gene: ITGA3 (integrin subunit alpha 3; plus strand). Cytogenetic location: 17q21.33.
Variant type: single nucleotide variant.
Coding change: c.3077C>T on transcript NM_002204.4 (MANE Select); coding-DNA position 3077, C replaced by T.
Protein change: p.Ala1026Val; replaces alanine 1026 with valine.
Molecular consequence: missense variant.
Genome position (GRCh38, 1-based): chr17:50,088,256, C>T. VCF-style: chr17-50088256-C-T. GRCh37 (hg19) VCF-style: chr17-48165620-C-T.
Other names: short protein forms A1026V.
Identifiers: ClinVar variation 3582311 (VCV003582311.2).